The following is an entry in ClinVar:

NM_002249.6(KCNN3):c.1606G>A (p.Ala536Thr)

Gene: KCNN3 (potassium calcium-activated channel subfamily N member 3; minus strand). Cytogenetic location: 1q21.3.
Variant type: single nucleotide variant.
Coding change: c.1606G>A on transcript NM_002249.6 (MANE Select); coding-DNA position 1606, G replaced by A.
Protein change: p.Ala536Thr; replaces alanine 536 with threonine.
Molecular consequence: missense variant.
Genome position (GRCh38, 1-based): chr1:154,726,011, C>T on the plus strand (G>A on the coding strand, the complement: KCNN3 is on the minus strand). VCF-style: chr1-154726011-C-T. GRCh37 (hg19) VCF-style: chr1-154698487-C-T.
Other names: c.1651G>A, p.Ala551Thr (NM_001204087.2); c.712G>A, p.Ala238Thr (NM_001365837.1); c.667G>A, p.Ala223Thr (NM_001365838.1); c.691G>A, p.Ala231Thr (NM_170782.3); short protein forms A223T, A231T, A238T, A536T, A551T.
Identifiers: ClinVar variation 1064423 (VCV001064423.5), dbSNP rs2101782564, ClinGen allele CA343069280.

ClinVar aggregate classification (germline): Pathogenic/Likely pathogenic. Review status: criteria provided, multiple submitters, no conflicts (2 of 4 stars). 2 submissions from 2 submitters: Pathogenic (1); Likely pathogenic (1). Last evaluated 2025-11-21.

Conditions:
Zimmermann-Laband syndrome 3. Identifiers: MedGen C5231447, MONDO:0032854, OMIM 618658.

Submissions (2):

Dasa
Classification: Likely pathogenic for Zimmermann-Laband syndrome 3. Last evaluated: 2025-11-21. Review status: criteria provided, single submitter. Criteria: DASA Assertion Criteria. Collection method: clinical testing. Allele origin: germline.
Comment: NM_002249.6(KCNN3):c.1606G>A (p.Ala536Thr) is a missense variant that results in the substitution of alanine with threonine. This variant has been reported as a de novo occurrence in an affected individual (PMID: 40358131). This variant has been recurrently observed in individuals with KCNN3-related disorders (PMID: 40358131; PMID: 34907639). Also, this variant is absent from population databases. Based on the currently available evidence, this variant is classified as likely pathogenic.

Molecular Genetics Laboratory, Motol Hospital
Classification: Pathogenic for Zimmermann-Laband syndrome 3. Last evaluated: 2020-11-18. Review status: criteria provided, single submitter. Criteria: ACMG Guidelines, 2015. Collection method: clinical testing. Allele origin: de novo. Inheritance: Autosomal dominant inheritance. Affected: yes. Observed: 2 variant alleles, 2 heterozygotes.
Comment: We identified a de novo variant Ala536Thr in monozygotic twins who were presented with clinical symptoms of Zimmerman-Laband syndrome. There was no evidence for mosaicism in healthy family members. The variant is not present in population databases (GnomAD, ExAC, 1000G). The locus is highly conserved in evolution: PhyloP 5,77; PhasCons 1. In silico predictors - SIFT, DANN, and Mutation Taster predicted a deleterious effect on protein structure. According to ACMG criteria, we classified the variant as pathogenic.

Literature cited by the submitters: PubMed 40358131 (cited by Dasa); PubMed 34907639 (cited by Dasa).